The following is an entry in ClinVar:

ClinVar aggregate classification (germline): Uncertain significance (1 of 4 stars; one submission).

Allele frequency attached by ClinVar (database versions not stated): gnomAD 0.00003 and 0.00004; TOPMed 0.00004; gnomAD exomes 0.00005 and 0.00006; ExAC 0.00007; ESP Exome Variant Server 0.00013.
gnomAD v4.1: 81 of 1,604,098 alleles (0.005%); highest among the groups gnomAD compares: Middle Eastern, 0.05%; 1 homozygote.

Submission:

Labcorp Genetics (formerly Invitae), Labcorp
Classification: Uncertain significance. Last evaluated: 2025-11-17. Review status: criteria provided, single submitter. Criteria: Invitae Variant Classification Sherloc (09022015). Collection method: clinical testing. Allele origin: germline.
Comment: This sequence change replaces proline, which is neutral and non-polar, with histidine, which is basic and polar, at codon 303 of the SLC39A7 protein (p.Pro303His). This variant is present in population databases (rs202062254, gnomAD 0.02%). This variant has not been reported in the literature in individuals affected with SLC39A7-related conditions. ClinVar contains an entry for this variant (Variation ID: 1511879). An algorithm developed to predict the effect of missense changes on protein structure and function (PolyPhen-2) suggests that this variant is likely to be tolerated. In summary, the available evidence is currently insufficient to determine the role of this variant in disease. Therefore, it has been classified as a Variant of Uncertain Significance.

NM_006979.3(SLC39A7):c.908C>A (p.Pro303His)

Gene: SLC39A7 (solute carrier family 39 member 7; plus strand). Cytogenetic location: 6p21.32.
Variant type: single nucleotide variant.
Coding change: c.908C>A on transcript NM_006979.3 (MANE Select); coding-DNA position 908, C replaced by A.
Protein change: p.Pro303His; replaces proline 303 with histidine.
Molecular consequence: missense variant.
Genome position (GRCh38, 1-based): chr6:33,202,668, C>A. VCF-style: chr6-33202668-C-A. GRCh37 (hg19) VCF-style: chr6-33170445-C-A.
Other names: c.908C>A, p.Pro303His (NM_001077516.2); c.533C>A, p.Pro178His (NM_001288777.2); short protein forms P178H, P303H.
Identifiers: ClinVar variation 1511879 (VCV001511879.5), dbSNP rs202062254, ClinGen allele CA3752380.